The following is an entry in ClinVar:

NM_000428.3(LTBP2):c.4203G>A (p.Thr1401=)

Gene: LTBP2 (latent transforming growth factor beta binding protein 2; minus strand). Cytogenetic location: 14q24.3.
Variant type: single nucleotide variant.
Coding change: c.4203G>A on transcript NM_000428.3 (MANE Select); coding-DNA position 4203, G replaced by A.
Protein change: p.Thr1401=; no amino-acid change (threonine 1401 retained).
Molecular consequence: synonymous variant.
Genome position (GRCh38, 1-based): chr14:74,505,149, C>T on the plus strand (G>A on the coding strand, the complement: LTBP2 is on the minus strand). VCF-style: chr14-74505149-C-T. GRCh37 (hg19) VCF-style: chr14-74971852-C-T.
Identifiers: ClinVar variation 314276 (VCV000314276.42), dbSNP rs150977380, ClinGen allele CA7268829.

ClinVar aggregate classification (germline): Conflicting classifications of pathogenicity. Review status: criteria provided, conflicting classifications (1 of 4 stars). 5 submissions from 4 submitters: Uncertain significance (1); Benign (1); Likely benign (2). 1 of the submissions does not count toward it. Last evaluated 2026-09-01.

Conditions:
LTBP2-related disorder. Also called: LTBP2-related condition; LTBP2-related disorders.
Glaucoma 3, primary congenital, D. Identifiers: Orphanet 98976, MedGen C2751316, MONDO:0013122, OMIM 613086.
Weill-Marchesani syndrome. Also called: WM Syndrome; Mesodermal dysmorphodystrophy congenital. Identifiers: Orphanet 3449, MedGen C0265313, MONDO:0018096.

Allele frequency attached by ClinVar (database versions not stated): 1000 Genomes Project 0.00140; 1000 Genomes Project 30x 0.00141; TOPMed 0.00259; gnomAD 0.00301 and 0.00305; ESP Exome Variant Server 0.00315; gnomAD exomes 0.00360 and 0.00386; ExAC 0.00378.
gnomAD v4.1: 5,792 of 1,613,456 alleles (0.36%); highest among the groups gnomAD compares: Middle Eastern, 1.4%; 22 homozygotes.

Submissions (5):

CeGaT Center for Human Genetics Tuebingen
Classification: Likely benign. Last evaluated: 2026-09-01. Review status: criteria provided, single submitter. Criteria: CeGaT Center For Human Genetics Tuebingen Variant Classification Criteria Version 2. Collection method: clinical testing. Allele origin: germline. Affected: yes. Observed: 7 variant alleles.
Comment: LTBP2: BP4, BP7

Labcorp Genetics (formerly Invitae), Labcorp
Classification: Benign. Last evaluated: 2026-02-02. Review status: criteria provided, single submitter. Criteria: Invitae Variant Classification Sherloc (09022015). Collection method: clinical testing. Allele origin: germline.

Illumina Laboratory Services, Illumina
Classification: Uncertain significance for Glaucoma 3, primary congenital, D. Last evaluated: 2018-01-13. Review status: criteria provided, single submitter. Criteria: ICSL Variant Classification Criteria 13 December 2019. Collection method: clinical testing. Allele origin: germline.

Illumina Laboratory Services, Illumina
Classification: Likely benign for Weill-Marchesani syndrome. Last evaluated: 2018-01-13. Review status: criteria provided, single submitter. Criteria: ICSL Variant Classification Criteria 13 December 2019. Collection method: clinical testing. Allele origin: germline.
Comment: This variant was observed in the ICSL laboratory as part of a predisposition screen in an ostensibly healthy population. It had not been previously curated by ICSL or reported in the Human Gene Mutation Database (HGMD: prior to June 1st, 2018), and was therefore a candidate for classification through an automated scoring system. Utilizing variant allele frequency, disease prevalence and penetrance estimates, and inheritance mode, an automated score was calculated to assess if this variant is too frequent to cause the disease. Based on the score and internal cut-off values, a variant classified as likely benign is not then subjected to further curation. The score for this variant resulted in a classification of likely benign for this disease.

PreventionGenetics, part of Exact Sciences
Classification: Benign for LTBP2-related condition. Last evaluated: 2019-07-30. Review status: no assertion criteria provided. Collection method: clinical testing. Allele origin: germline. Not counted in ClinVar's aggregate classification.
Comment: This variant is classified as benign based on ACMG/AMP sequence variant interpretation guidelines (Richards et al. 2015 PMID: 25741868, with internal and published modifications).